The following is an entry in ClinVar:

ClinVar aggregate classification (germline): Conflicting classifications of pathogenicity. Review status: criteria provided, conflicting classifications (1 of 4 stars). 3 submissions from 3 submitters: Uncertain significance (2); Likely benign (1). Last evaluated 2025-02-16.

Conditions:
PLXNA1-related disorder. Also called: PLXNA1-related condition.

gnomAD v4.1: 27 of 1,612,628 alleles (0.0017%); highest among the groups gnomAD compares: African/African-American, 0.0027%; no homozygotes.

Submissions (3):

Laboratory of Genetics, Children's Clinical University Hospital Latvia
Classification: Likely benign. Last evaluated: 2025-02-16. Review status: criteria provided, single submitter. Criteria: ACMG Guidelines, 2015. Collection method: clinical testing. Allele origin: germline. Affected: yes.

PreventionGenetics, part of Exact Sciences
Classification: Uncertain significance for PLXNA1-related condition. Last evaluated: 2024-12-13. Review status: criteria provided, single submitter. Criteria: ACMG Guidelines, 2015. Collection method: clinical testing. Allele origin: germline.
Comment: The PLXNA1 c.3574A>T variant is predicted to result in the amino acid substitution p.Ile1192Phe. To our knowledge, this variant has not been reported in the literature. This variant is reported in 0.0024% of alleles in individuals of European (Non-Finnish) descent in gnomAD. At this time, the clinical significance of this variant is uncertain due to the absence of conclusive functional and genetic evidence.

Ambry Genetics
Classification: Uncertain significance. Last evaluated: 2023-07-11. Review status: criteria provided, single submitter. Criteria: Ambry Variant Classification Scheme 2023. Collection method: clinical testing. Allele origin: germline.

NM_032242.4(PLXNA1):c.3574A>T (p.Ile1192Phe)

Gene: PLXNA1 (plexin A1; plus strand). Cytogenetic location: 3q21.3.
Variant type: single nucleotide variant.
Coding change: c.3574A>T on transcript NM_032242.4 (MANE Select); coding-DNA position 3574, A replaced by T.
Protein change: p.Ile1192Phe; replaces isoleucine 1192 with phenylalanine.
Molecular consequence: missense variant.
Genome position (GRCh38, 1-based): chr3:127,017,806, A>T. VCF-style: chr3-127017806-A-T. GRCh37 (hg19) VCF-style: chr3-126736649-A-T.
Other names: short protein forms I1192F.
Identifiers: ClinVar variation 2610772 (VCV002610772.4), dbSNP rs747148568, ClinGen allele CA354392336.